The following is an entry in ClinVar:

NM_001379500.1(COL18A1):c.336G>A (p.Thr112=)

Gene: COL18A1 (collagen type XVIII alpha 1 chain; plus strand). Cytogenetic location: 21q22.3.
Variant type: single nucleotide variant.
Coding change: c.336G>A on transcript NM_001379500.1 (MANE Select); coding-DNA position 336, G replaced by A.
Protein change: p.Thr112=; no amino-acid change (threonine 112 retained).
Molecular consequence: synonymous variant.
Genome position (GRCh38, 1-based): chr21:45,468,471, G>A. VCF-style: chr21-45468471-G-A. GRCh37 (hg19) VCF-style: chr21-46888385-G-A.
Other names: c.876G>A, p.Thr292= (NM_030582.4); c.1581G>A, p.Thr527= (NM_130444.3); c.876G>A (NM_030582.3).
Identifiers: ClinVar variation 1575783 (VCV001575783.14), dbSNP rs61735014, ClinGen allele CA10065724.

ClinVar aggregate classification (germline): Benign/Likely benign. Review status: criteria provided, multiple submitters, no conflicts (2 of 4 stars). 4 submissions from 4 submitters: Benign (1); Likely benign (2). 1 of the submissions does not count toward it. Last evaluated 2026-03-01.

Conditions:
COL18A1-related disorder. Also called: COL18A1-related disorders; COL18A1-related condition.

Allele frequency attached by ClinVar (database versions not stated): 1000 Genomes Project 30x 0.00016; 1000 Genomes Project 0.00020; gnomAD exomes 0.00032 and 0.00076; gnomAD 0.00054 and 0.00056; ExAC 0.00082; TOPMed 0.00006; ESP Exome Variant Server 0.00008.
gnomAD v4.1: 544 of 1,614,054 alleles (0.034%); highest among the groups gnomAD compares: East Asian, 0.027%; 3 homozygotes.

Submissions (4):

CeGaT Center for Human Genetics Tuebingen
Classification: Likely benign. Last evaluated: 2026-03-01. Review status: criteria provided, single submitter. Criteria: CeGaT Center For Human Genetics Tuebingen Variant Classification Criteria Version 2. Collection method: clinical testing. Allele origin: germline. Affected: yes. Observed: 1 variant allele.
Comment: COL18A1: BP4, BP7

Labcorp Genetics (formerly Invitae), Labcorp
Classification: Benign. Last evaluated: 2024-12-07. Review status: criteria provided, single submitter. Criteria: Invitae Variant Classification Sherloc (09022015). Collection method: clinical testing. Allele origin: germline.

Blueprint Genetics
Classification: Likely benign. Last evaluated: 2024-11-20. Review status: criteria provided, single submitter. Criteria: ACMG Guidelines, 2015. Collection method: clinical testing. Allele origin: germline.

PreventionGenetics, part of Exact Sciences
Classification: Likely benign for COL18A1-related condition. Last evaluated: 2024-06-18. Review status: no assertion criteria provided. Collection method: clinical testing. Allele origin: germline. Not counted in ClinVar's aggregate classification.
Comment: This variant is classified as likely benign based on ACMG/AMP sequence variant interpretation guidelines (Richards et al. 2015 PMID: 25741868, with internal and published modifications).